The following is an entry in ClinVar:

ClinVar aggregate classification (germline): Uncertain significance (1 of 4 stars; one submission).

Allele frequency attached by ClinVar (database versions not stated): ExAC 0.00001.

Submission:

Labcorp Genetics (formerly Invitae), Labcorp
Classification: Uncertain significance. Last evaluated: 2025-09-08. Review status: criteria provided, single submitter. Criteria: Invitae Variant Classification Sherloc (09022015). Collection method: clinical testing. Allele origin: germline.
Comment: This sequence change replaces glutamine, which is neutral and polar, with proline, which is neutral and non-polar, at codon 118 of the ICOSLG protein (p.Gln118Pro). This variant is present in population databases (rs775845954, gnomAD 0.001%). This variant has not been reported in the literature in individuals affected with ICOSLG-related conditions. ClinVar contains an entry for this variant (Variation ID: 2958033). An algorithm developed to predict the effect of missense changes on protein structure and function (PolyPhen-2) suggests that this variant is likely to be tolerated. In summary, the available evidence is currently insufficient to determine the role of this variant in disease. Therefore, it has been classified as a Variant of Uncertain Significance.

NM_015259.6(ICOSLG):c.353A>C (p.Gln118Pro)

Gene: ICOSLG (inducible T cell costimulator ligand; minus strand). Cytogenetic location: 21q22.3.
Variant type: single nucleotide variant.
Coding change: c.353A>C on transcript NM_015259.6 (MANE Select); coding-DNA position 353, A replaced by C.
Protein change: p.Gln118Pro; replaces glutamine 118 with proline.
Molecular consequence: missense variant. On other transcripts: intron variant (1).
Genome position (GRCh38, 1-based): chr21:44,236,920, T>G on the plus strand (A>C on the coding strand, the complement: ICOSLG is on the minus strand). VCF-style: chr21-44236920-T-G. GRCh37 (hg19) VCF-style: chr21-45656803-T-G.
Other names: c.353A>C, p.Gln118Pro (NM_001283050.2, NM_001395918.1); c.98A>C, p.Gln33Pro (NM_001283052.2); c.272A>C, p.Gln91Pro (NM_001365759.2); c.56-1358A>C (NM_001283051.2); short protein forms Q118P, Q33P, Q91P.
Identifiers: ClinVar variation 2958033 (VCV002958033.3), dbSNP rs775845954, ClinGen allele CA321498130.
Genomic context (GRCh38, chr21:44,236,920, plus strand): 5'-GTCCTACCTGCCACATGCAGTGTAACCTCAACGCTCAAAACCTCCTGGAATCCCAGGGAT[T>G]GGCTCAACACCAGGCAGTGAAACTTCTGCTCGTCCTGGGGGGTGACGTTGAACAAGCGCA-3'
Protein context (NP_056074.1, residues 108-128): EQKFHCLVLS[Gln118Pro]SLGFQEVLSV